The following is an entry in ClinVar:

NM_033380.3(COL4A5):c.3089G>T (p.Gly1030Val)

Gene: COL4A5 (collagen type IV alpha 5 chain; plus strand). Cytogenetic location: Xq22.3.
Variant type: single nucleotide variant.
Coding change: c.3089G>T on transcript NM_033380.3 (MANE Select); coding-DNA position 3089, G replaced by T.
Protein change: p.Gly1030Val; replaces glycine 1030 with valine.
Molecular consequence: missense variant.
Genome position (GRCh38, 1-based): chrX:108,625,777, G>T. VCF-style: chrX-108625777-G-T. GRCh37 (hg19) VCF-style: chrX-107869007-G-T.
Other names: c.3089G>T (NM_033380.2); c.3089G>T, p.Gly1030Val (NM_000495.5); short protein forms G1030V.
Identifiers: ClinVar variation 4802187 (VCV004802187.2).
Genomic context (GRCh38, chrX:108,625,777, plus strand): 5'-ACCCTGGTCTCCCTGGACAGCCAGGTCTTATAGGACCTCCTGGACTTAAAGGAACCATCG[G>T]TGATATGGGTTTTCCAGGTGAGTGATGAAAATCTTCCAAATATTTAGTCCCATTAATGAA-3'
Protein context (NP_203699.1, residues 1020-1040): IGPPGLKGTI[Gly1030Val]DMGFPGPQGV

ClinVar aggregate classification (germline): Likely pathogenic. Review status: criteria provided, multiple submitters, no conflicts (2 of 4 stars). 2 submissions from 2 submitters: Likely pathogenic (2). Last evaluated 2025-03-05.

Conditions:
X-linked Alport syndrome (ATS1). Also called: NEPHROPATHY AND DEAFNESS, X-LINKED; COL4A5-Related Nephropathy. Identifiers: Orphanet 63, Orphanet 88917, MedGen C4746986, MONDO:0010520, OMIM 301050.

Submissions (2):

Labcorp Genetics (formerly Invitae), Labcorp
Classification: Likely pathogenic. Last evaluated: 2025-03-05. Review status: criteria provided, single submitter. Criteria: Invitae Variant Classification Sherloc (09022015). Collection method: clinical testing. Allele origin: germline.
Comment: This sequence change replaces glycine, which is neutral and non-polar, with valine, which is neutral and non-polar, at codon 1030 of the COL4A5 protein (p.Gly1030Val). This variant is not present in population databases (gnomAD no frequency). This missense change has been observed in individual(s) with clinical features of Alport syndrome (internal data). Invitae Evidence Modeling of protein sequence and biophysical properties (such as structural, functional, and spatial information, amino acid conservation, physicochemical variation, residue mobility, and thermodynamic stability) indicates that this missense variant is expected to disrupt COL4A5 protein function with a positive predictive value of 95%. This variant disrupts the triple helix domain of COL4A5. Glycine residues within the Gly-Xaa-Yaa repeats of the triple helix domain are required for the structure and stability of fibrillar collagens (PMID: 7695699, 8218237, 19344236). In COL4A5, missense variants at these glycine residues are significantly enriched in individuals with disease (PMID: 23720012, 27627812) compared to the general population (ExAC). This variant disrupts the p.Gly1030 amino acid residue in COL4A5. Other variant(s) that disrupt this residue have been observed in individuals with COL4A5-related conditions (PMID: 9848783), which suggests that this may be a clinically significant amino acid residue. In summary, the currently available evidence indicates that the variant is pathogenic, but additional data are needed to prove that conclusively. Therefore, this variant has been classified as Likely Pathogenic.

Molecular Genetics McLendon Clinical Laboratories, University of North Carolina at Chapel Hill
Classification: Likely pathogenic for X-linked Alport syndrome. Last evaluated: 2022-09-19. Review status: criteria provided, single submitter. Criteria: ACMG Guidelines, 2015. Collection method: clinical testing. Allele origin: germline.

Literature cited by the submitters: PubMed 7695699 (cited by Labcorp Genetics (formerly Invitae), Labcorp); PubMed 8218237 (cited by Labcorp Genetics (formerly Invitae), Labcorp); PubMed 19344236 (cited by Labcorp Genetics (formerly Invitae), Labcorp); PubMed 23720012 (cited by Labcorp Genetics (formerly Invitae), Labcorp); PubMed 27627812 (cited by Labcorp Genetics (formerly Invitae), Labcorp); PubMed 9848783 (cited by Labcorp Genetics (formerly Invitae), Labcorp).